The following is an entry in ClinVar:

NM_002890.3(RASA1):c.*164A>G

Genes: CCNH (cyclin H; minus strand), RASA1 (RAS p21 protein activator 1; plus strand). Cytogenetic location: 5q14.3.
Variant type: single nucleotide variant.
Coding change: c.*164A>G on transcript NM_002890.3 (MANE Select); 164 bases downstream of the stop codon, A replaced by G.
Molecular consequence: 3 prime UTR variant. On other transcripts: non-coding transcript variant (1), intron variant (1).
Genome position (GRCh38, 1-based): chr5:87,391,047, A>G. VCF-style: chr5-87391047-A-G. GRCh37 (hg19) VCF-style: chr5-86686864-A-G.
Other names: c.*164A>G (NM_022650.3); c.*1813T>C (NM_001363539.2, NM_001364076.2); c.933+3997T>C (NM_001364075.2).
Identifiers: ClinVar variation 905429 (VCV000905429.6), dbSNP rs112969290, ClinGen allele CA121823551.

ClinVar aggregate classification (germline): Benign (1 of 4 stars; one submission).

Conditions:
Capillary malformation-arteriovenous malformation 1 (CMAVM1). Identifiers: Orphanet 137667, Orphanet 693907, MedGen C4747394, MONDO:0020783, OMIM 608354.

Allele frequency attached by ClinVar (database versions not stated): 1000 Genomes Project 30x 0.00156; gnomAD exomes 0.00011; gnomAD 0.00085 and 0.00082; TOPMed 0.00102; 1000 Genomes Project 0.00180.
gnomAD v4.1: 195 of 732,606 alleles (0.027%); highest among the groups gnomAD compares: African/African-American, 0.29%; no homozygotes.

Submission:

Illumina Laboratory Services, Illumina
Classification: Benign for Capillary malformation-arteriovenous malformation 1. Last evaluated: 2018-01-13. Review status: criteria provided, single submitter. Criteria: ICSL Variant Classification Criteria 13 December 2019. Collection method: clinical testing. Allele origin: germline.
Comment: This variant was observed in the ICSL laboratory as part of a predisposition screen in an ostensibly healthy population. It had not been previously curated by ICSL or reported in the Human Gene Mutation Database (HGMD: prior to June 1st, 2018), and was therefore a candidate for classification through an automated scoring system. Utilizing variant allele frequency, disease prevalence and penetrance estimates, and inheritance mode, an automated score was calculated to assess if this variant is too frequent to cause the disease. Based on the score and internal cut-off values, a variant classified as benign is not then subjected to further curation. The score for this variant resulted in a classification of benign for this disease.